The following is an entry in ClinVar:

NM_003705.5(SLC25A12):c.1651C>T (p.Arg551Cys)

Gene: SLC25A12 (solute carrier family 25 member 12; minus strand). Cytogenetic location: 2q31.1.
Variant type: single nucleotide variant.
Coding change: c.1651C>T on transcript NM_003705.5 (MANE Select); coding-DNA position 1651, C replaced by T.
Protein change: p.Arg551Cys; replaces arginine 551 with cysteine.
Molecular consequence: missense variant. On other transcripts: non-coding transcript variant (1).
Genome position (GRCh38, 1-based): chr2:171,787,882, G>A on the plus strand (C>T on the coding strand, the complement: SLC25A12 is on the minus strand). VCF-style: chr2-171787882-G-A. GRCh37 (hg19) VCF-style: chr2-172644392-G-A.
Other names: short protein forms R551C.
Identifiers: ClinVar variation 2202403 (VCV002202403.4), dbSNP rs1690518291, ClinGen allele CA349288017.

ClinVar aggregate classification (germline): Uncertain significance (1 of 4 stars; one submission).

Allele frequency attached by ClinVar (database versions not stated): TOPMed below 0.00001.

Submission:

Labcorp Genetics (formerly Invitae), Labcorp
Classification: Uncertain significance. Last evaluated: 2022-07-19. Review status: criteria provided, single submitter. Criteria: Invitae Variant Classification Sherloc (09022015). Collection method: clinical testing. Allele origin: germline.
Comment: This variant is not present in population databases (gnomAD no frequency). In summary, the available evidence is currently insufficient to determine the role of this variant in disease. Therefore, it has been classified as a Variant of Uncertain Significance. Algorithms developed to predict the effect of missense changes on protein structure and function are either unavailable or do not agree on the potential impact of this missense change (SIFT: "Deleterious"; PolyPhen-2: "Probably Damaging"; Align-GVGD: "Class C15"). This variant has not been reported in the literature in individuals affected with SLC25A12-related conditions. This sequence change replaces arginine, which is basic and polar, with cysteine, which is neutral and slightly polar, at codon 551 of the SLC25A12 protein (p.Arg551Cys).